The following is an entry in ClinVar:

NM_000147.5(FUCA1):c.563G>A (p.Trp188Ter)

Gene: FUCA1 (alpha-L-fucosidase 1; minus strand). Cytogenetic location: 1p36.11.
Variant type: single nucleotide variant.
Coding change: c.563G>A on transcript NM_000147.5 (MANE Select); coding-DNA position 563, G replaced by A.
Protein change: p.Trp188Ter; replaces tryptophan 188 with a stop codon.
Molecular consequence: nonsense. On other transcripts: non-coding transcript variant (4).
Genome position (GRCh38, 1-based): chr1:23,863,233, C>T on the plus strand (G>A on the coding strand, the complement: FUCA1 is on the minus strand). VCF-style: chr1-23863233-C-T. GRCh37 (hg19) VCF-style: chr1-24189723-C-T.
Other names: short protein forms W188*.
Identifiers: ClinVar variation 2838100 (VCV002838100.3), dbSNP rs760219584, ClinGen allele CA686500.

ClinVar aggregate classification (germline): Pathogenic (1 of 4 stars; one submission).

Conditions:
Fucosidosis. Also called: ALPHA-L-FUCOSIDASE DEFICIENCY. Identifiers: Orphanet 349, MedGen C0016788, MONDO:0009254, OMIM 230000.

Submission:

Labcorp Genetics (formerly Invitae), Labcorp
Classification: Pathogenic for Fucosidosis. Last evaluated: 2023-12-04. Review status: criteria provided, single submitter. Criteria: Invitae Variant Classification Sherloc (09022015). Collection method: clinical testing. Allele origin: germline.
Comment: This sequence change creates a premature translational stop signal (p.Trp188*) in the FUCA1 gene. It is expected to result in an absent or disrupted protein product. Loss-of-function variants in FUCA1 are known to be pathogenic (PMID: 10094192). This variant is present in population databases (rs760219584, gnomAD 0.003%). This premature translational stop signal has been observed in individual(s) with fucosidosis (PMID: 9039984). For these reasons, this variant has been classified as Pathogenic.

Literature cited by the submitters: PubMed 10094192; PubMed 9039984.